The following is an entry in ClinVar:

ClinVar aggregate classification (germline): Pathogenic (1 of 4 stars; one submission).

Conditions:
Beck-Fahrner syndrome (BEFAHRS). Identifiers: Orphanet 684216, MedGen C5394097, MONDO:0032922, OMIM 618798.

Submission:

Victorian Clinical Genetics Services, Murdoch Childrens Research Institute
Classification: Pathogenic for Beck-Fahrner syndrome. Last evaluated: 2026-01-29. Review status: criteria provided, single submitter. Criteria: ACMG Guidelines, 2015. Collection method: clinical testing. Allele origin: germline. Affected: yes.
Comment: This variant is classified as Pathogenic. Evidence in support of pathogenic classification: Variant is predicted to cause nonsense-mediated decay (NMD) and loss of protein (premature termination codon is located at least 54 nucleotides upstream of the final exon-exon junction); Variant is absent from gnomAD (v2, v3 and v4); Other NMD-predicted variant(s) comparable to the one identified in this case have very strong previous evidence for pathogenicity (DECIPHER). Additional information: This variant is heterozygous; This gene is associated with autosomal dominant disease. There have been reports of autosomal recessive disease; however, it has been noted that ClinGen have rated the autosomal recessive gene disease association as limited (CCID:008155); This variant has no previous evidence of pathogenicity; No published evidence of segregation with disease has been identified for this variant; No published functional evidence has been identified for this variant; Dominant negative and loss of function are suggested mechanisms of disease in this gene and are associated with Beck-Fahrner syndrome (MIM#618798). In addition biallelic missense variants have been shown to be hypomorphic (PMID: 31928709); The condition associated with this gene has incomplete penetrance. In a biallelic family, carrier parents were reported to be clinically healthy (PMID: 34719681); Variants in this gene are known to have variable expressivity (OMIM, PMID: 37200470).

Literature cited by the submitters: PubMed 34719681; PubMed 31928709; PubMed 37200470.

NM_001287491.2(TET3):c.1912C>T (p.Gln638Ter)

Gene: TET3 (tet methylcytosine dioxygenase 3; plus strand). Cytogenetic location: 2p13.1.
Variant type: single nucleotide variant.
Coding change: c.1912C>T on transcript NM_001287491.2 (MANE Select); coding-DNA position 1912, C replaced by T.
Protein change: p.Gln638Ter; replaces glutamine 638 with a stop codon.
Molecular consequence: nonsense.
Genome position (GRCh38, 1-based): chr2:74,047,829, C>T. VCF-style: chr2-74047829-C-T. GRCh37 (hg19) VCF-style: chr2-74274956-C-T.
Other names: c.1633C>T, p.Gln545Ter (NM_001366022.1); short protein forms Q545*, Q638*.
Identifiers: ClinVar variation 4818991 (VCV004818991.1).